The following is an entry in ClinVar:

ClinVar aggregate classification (germline): Pathogenic/Likely pathogenic. Review status: criteria provided, multiple submitters, no conflicts (2 of 4 stars). 4 submissions from 4 submitters: Pathogenic (1); Likely pathogenic (3). Last evaluated 2025-05-14.

Conditions:
Long chain 3-hydroxyacyl-CoA dehydrogenase deficiency. Also called: Deficiency of long-chain 3-hydroxyacyl-coenzyme A dehydrogenase; LCHAD Deficiency. Identifiers: Orphanet 5, MedGen C3711645, MONDO:0012173, OMIM 609016.
Mitochondrial trifunctional protein deficiency 1 (MTPD1). Identifiers: MedGen CN376812, MONDO:0958181, OMIM 609015.
Mitochondrial trifunctional protein deficiency. Identifiers: Orphanet 746, MedGen C1969443, MONDO:0012172.

Allele frequency attached by ClinVar (database versions not stated): gnomAD exomes below 0.00001.

Submissions (4):

Natera, Inc.
Classification: Likely pathogenic for Deficiency of long-chain 3-hydroxyacyl-coenzyme A dehydrogenase. Last evaluated: 2025-05-14. Review status: criteria provided, single submitter. Criteria: Natera Variant Classification Schema (03/2026). Collection method: clinical testing. Allele origin: germline.
Comment: The c.1720_1721delCT variant in HADHA is a frameshift variant predicted to shift the reading frame beginning at codon 574 and leads to a stop codon 16 codons downstream. This variant is expected to result in nonsense mediated decay, truncation, or a dysfunctional protein product. This variant is rare in the general population with a frequency below the threshold expected for the associated phenotype(s). Given the available evidence, this variant is classified as Likely Pathogenic.

Baylor Genetics
Classification: Likely pathogenic for Long chain 3-hydroxyacyl-CoA dehydrogenase deficiency. Last evaluated: 2024-01-23. Review status: criteria provided, single submitter. Criteria: ACMG Guidelines, 2015. Collection method: clinical testing. Allele origin: unknown.

Labcorp Genetics (formerly Invitae), Labcorp
Classification: Pathogenic for Mitochondrial trifunctional protein deficiency; Long chain 3-hydroxyacyl-CoA dehydrogenase deficiency. Last evaluated: 2022-05-21. Review status: criteria provided, single submitter. Criteria: Invitae Variant Classification Sherloc (09022015). Collection method: clinical testing. Allele origin: germline.
Comment: For these reasons, this variant has been classified as Pathogenic. ClinVar contains an entry for this variant (Variation ID: 845656). This sequence change creates a premature translational stop signal (p.Leu574Aspfs*16) in the HADHA gene. It is expected to result in an absent or disrupted protein product. Loss-of-function variants in HADHA are known to be pathogenic (PMID: 7738175, 21103935, 21549624, 22459206). This variant is present in population databases (no rsID available, gnomAD 0.006%). This variant has not been reported in the literature in individuals affected with HADHA-related conditions.

Juno Genomics, Hangzhou Juno Genomics, Inc
Classification: Likely pathogenic for Mitochondrial trifunctional protein deficiency 1; Long chain 3-hydroxyacyl-CoA dehydrogenase deficiency. Review status: criteria provided, single submitter. Criteria: ACMG Guidelines, 2015. Collection method: clinical testing. Allele origin: germline.
Comment: Null variant in a gene where loss of function (LOF) is a known mechanism of disease.;Absent from controls (or at extremely low frequency if recessive) in Genome Aggregation Database.

Literature cited by the submitters: PubMed 7738175 (cited by Labcorp Genetics (formerly Invitae), Labcorp); PubMed 21103935 (cited by Labcorp Genetics (formerly Invitae), Labcorp); PubMed 21549624 (cited by Labcorp Genetics (formerly Invitae), Labcorp); PubMed 22459206 (cited by Labcorp Genetics (formerly Invitae), Labcorp).

NM_000182.5(HADHA):c.1720_1721del (p.Leu574fs)

Genes: GAREM2 (GRB2 associated regulator of MAPK1 subtype 2; plus strand), HADHA (hydroxyacyl-CoA dehydrogenase trifunctional multienzyme complex subunit alpha; minus strand). Cytogenetic location: 2p23.3.
Variant type: Deletion.
Coding change: c.1720_1721del on transcript NM_000182.5 (MANE Select); coding-DNA positions 1720 to 1721, 2 bases deleted (CT; older notation c.1720_1721delCT).
Protein change: p.Leu574fs; shifts the reading frame from leucine 574.
Molecular consequence: frameshift variant.
Genome position (GRCh38, 1-based): chr2:26,193,741-26,193,742, AG deleted on the plus strand (CT on the coding strand, the reverse complement: HADHA is on the minus strand). VCF-style (leftmost placement, unchanged base first): chr2-26193740-CAG-C. GRCh37 (hg19) VCF-style: chr2-26416609-CAG-C.
Other names: c.1720_1721delCT (NM_000182.4); short protein forms L574fs.
Identifiers: ClinVar variation 845656 (VCV000845656.13), dbSNP rs1278248464, ClinGen allele CA531761310.
Genomic context (GRCh38, chr2:26,193,740, plus strand): 5'-ATCCACACCAACTTCATCCACCAGTGTGGCGGCACCCACAGGAAAGCCAAAGCTTGTGGT[CAG>C]GGAATCCAGCTTCTTCGGGTCAACTCCTTCCTGAACAGGAAGCGATGCAGGGACCTCAGG-3'